The following is an entry in ClinVar:

NM_004525.3(LRP2):c.1175G>C (p.Gly392Ala)

Gene: LRP2 (LDL receptor related protein 2; minus strand). Cytogenetic location: 2q31.1.
Variant type: single nucleotide variant.
Coding change: c.1175G>C on transcript NM_004525.3 (MANE Select); coding-DNA position 1175, G replaced by C.
Protein change: p.Gly392Ala; replaces glycine 392 with alanine.
Molecular consequence: missense variant.
Genome position (GRCh38, 1-based): chr2:169,280,516, C>G on the plus strand (G>C on the coding strand, the complement: LRP2 is on the minus strand). VCF-style: chr2-169280516-C-G. GRCh37 (hg19) VCF-style: chr2-170137026-C-G.
Other names: short protein forms G392A.
Identifiers: ClinVar variation 4076787 (VCV004076787.1).

ClinVar aggregate classification (germline): Uncertain significance (1 of 4 stars; one submission).

Submission:

GeneDx
Classification: Uncertain significance. Last evaluated: 2025-02-20. Review status: criteria provided, single submitter. Criteria: GeneDx Variant Classification Process June 2021. Collection method: clinical testing. Allele origin: germline. Affected: yes.
Comment: Not observed at significant frequency in large population cohorts (gnomAD); In silico analysis indicates that this missense variant does not alter protein structure/function; Has not been previously published as pathogenic or benign to our knowledge